The following is an entry in ClinVar:

NM_001105206.3(LAMA4):c.2917C>G (p.Leu973Val)

Genes: LAMA4 (laminin subunit alpha 4; minus strand), LOC126859766 (MED14-independent group 3 enhancer GRCh37_chr6:112462018-112463217; plus strand). Cytogenetic location: 6q21.
Variant type: single nucleotide variant.
Coding change: c.2917C>G on transcript NM_001105206.3 (MANE Select); coding-DNA position 2917, C replaced by G.
Protein change: p.Leu973Val; replaces leucine 973 with valine.
Molecular consequence: missense variant.
Genome position (GRCh38, 1-based): chr6:112,140,819, G>C on the plus strand (C>G on the coding strand, the complement: LAMA4 is on the minus strand). VCF-style: chr6-112140819-G-C. GRCh37 (hg19) VCF-style: chr6-112462021-G-C.
Other names: c.2896C>G, p.Leu966Val (NM_001105207.3, NM_002290.5); short protein forms L966V, L973V.
Identifiers: ClinVar variation 2806032 (VCV002806032.4), dbSNP rs1554332949, ClinGen allele CA365379679.

ClinVar aggregate classification (germline): Uncertain significance. Review status: criteria provided, multiple submitters, no conflicts (2 of 4 stars). 2 submissions from 2 submitters: Uncertain significance (2). Last evaluated 2024-03-10.

Conditions:
Dilated cardiomyopathy 1JJ (CMD1JJ). Identifiers: Orphanet 154, MedGen C3808935, MONDO:0014095, OMIM 615235.
Cardiovascular phenotype. Identifiers: MedGen CN230736.

Allele frequency attached by ClinVar (database versions not stated): TOPMed below 0.00001.
gnomAD v4.1: 1 of 1,614,036 alleles (0.000062%); highest among the groups gnomAD compares: Non-Finnish European, 0.000085%; no homozygotes.

Submissions (2):

Ambry Genetics
Classification: Uncertain significance for Cardiovascular phenotype. Last evaluated: 2024-03-10. Review status: criteria provided, single submitter. Criteria: Ambry Variant Classification Scheme 2023. Collection method: clinical testing. Allele origin: germline.
Comment: The p.L966V variant (also known as c.2896C>G), located in coding exon 21 of the LAMA4 gene, results from a C to G substitution at nucleotide position 2896. The leucine at codon 966 is replaced by valine, an amino acid with highly similar properties. This amino acid position is conserved. In addition, this alteration is predicted to be tolerated by in silico analysis. Based on the available evidence, the clinical significance of this alteration remains unclear.

Labcorp Genetics (formerly Invitae), Labcorp
Classification: Uncertain significance for Dilated cardiomyopathy 1JJ. Last evaluated: 2023-03-14. Review status: criteria provided, single submitter. Criteria: Invitae Variant Classification Sherloc (09022015). Collection method: clinical testing. Allele origin: germline.
Comment: This sequence change replaces leucine, which is neutral and non-polar, with valine, which is neutral and non-polar, at codon 966 of the LAMA4 protein (p.Leu966Val). This variant is present in population databases (no rsID available, gnomAD 0.0009%). This variant has not been reported in the literature in individuals affected with LAMA4-related conditions. An algorithm developed to predict the effect of missense changes on protein structure and function (PolyPhen-2) suggests that this variant is likely to be disruptive. In summary, the available evidence is currently insufficient to determine the role of this variant in disease. Therefore, it has been classified as a Variant of Uncertain Significance.